The following is an entry in ClinVar:

ClinVar aggregate classification (germline): Uncertain significance. Review status: criteria provided, multiple submitters, no conflicts (2 of 4 stars). 4 submissions from 4 submitters: Uncertain significance (4). Last evaluated 2025-08-01.

Conditions:
Lissencephaly 4 (LIS4). Also called: Lissencephaly 4 (with microcephaly). Identifiers: Orphanet 1083, MedGen C3151461, MONDO:0013527, OMIM 614019.
Inborn genetic diseases. Identifiers: MedGen C0950123, MeSH D030342.

Allele frequency attached by ClinVar (database versions not stated): ExAC 0.00009; gnomAD 0.00011 and 0.00012; TOPMed 0.00013; gnomAD exomes 0.00014; ESP Exome Variant Server 0.00015.
gnomAD v4.1: 388 of 1,614,058 alleles (0.024%); highest among the groups gnomAD compares: Non-Finnish European, 0.032%; no homozygotes.

Submissions (4):

Ambry Genetics
Classification: Uncertain significance for Inborn genetic diseases. Last evaluated: 2025-08-01. Review status: criteria provided, single submitter. Criteria: Ambry Variant Classification Scheme 2023. Collection method: clinical testing. Allele origin: germline.

GeneDx
Classification: Uncertain significance. Last evaluated: 2023-07-24. Review status: criteria provided, single submitter. Criteria: GeneDx Variant Classification Process June 2021. Collection method: clinical testing. Allele origin: germline. Affected: yes.
Comment: In silico analysis supports that this missense variant does not alter protein structure/function; Has not been previously published as pathogenic or benign to our knowledge; This variant is associated with the following publications: (PMID: 21529752)

Labcorp Genetics (formerly Invitae), Labcorp
Classification: Uncertain significance. Last evaluated: 2022-07-12. Review status: criteria provided, single submitter. Criteria: Invitae Variant Classification Sherloc (09022015). Collection method: clinical testing. Allele origin: germline.
Comment: This sequence change replaces serine, which is neutral and polar, with arginine, which is basic and polar, at codon 307 of the NDE1 protein (p.Ser307Arg). This variant is present in population databases (rs368310178, gnomAD 0.03%). This variant has not been reported in the literature in individuals affected with NDE1-related conditions. ClinVar contains an entry for this variant (Variation ID: 318068). Algorithms developed to predict the effect of missense changes on protein structure and function (SIFT, PolyPhen-2, Align-GVGD) all suggest that this variant is likely to be tolerated. In summary, the available evidence is currently insufficient to determine the role of this variant in disease. Therefore, it has been classified as a Variant of Uncertain Significance.

Illumina Laboratory Services, Illumina
Classification: Uncertain significance for Lissencephaly 4. Last evaluated: 2018-01-13. Review status: criteria provided, single submitter. Criteria: ICSL Variant Classification Criteria 13 December 2019. Collection method: clinical testing. Allele origin: germline.

NM_017668.3(NDE1):c.921C>A (p.Ser307Arg)

Gene: NDE1 (nudE neurodevelopment protein 1; plus strand). Cytogenetic location: 16p13.11.
Variant type: single nucleotide variant.
Coding change: c.921C>A on transcript NM_017668.3 (MANE Select); coding-DNA position 921, C replaced by A.
Protein change: p.Ser307Arg; replaces serine 307 with arginine.
Molecular consequence: missense variant.
Genome position (GRCh38, 1-based): chr16:15,696,834, C>A. VCF-style: chr16-15696834-C-A. GRCh37 (hg19) VCF-style: chr16-15790691-C-A.
Other names: c.921C>A, p.Ser307Arg (NM_001143979.2); short protein forms S307R.
Identifiers: ClinVar variation 318068 (VCV000318068.14), dbSNP rs368310178, ClinGen allele CA7920894.